The following is an entry in ClinVar:

NM_004168.4(SDHA):c.11T>G (p.Val4Gly)

Gene: SDHA (succinate dehydrogenase complex flavoprotein subunit A; plus strand). Cytogenetic location: 5p15.33.
Variant type: single nucleotide variant.
Coding change: c.11T>G on transcript NM_004168.4 (MANE Select); coding-DNA position 11, T replaced by G.
Protein change: p.Val4Gly; replaces valine 4 with glycine.
Molecular consequence: missense variant.
Genome position (GRCh38, 1-based): chr5:218,366, T>G. VCF-style: chr5-218366-T-G. GRCh37 (hg19) VCF-style: chr5-218481-T-G.
Other names: c.11T>G, p.Val4Gly (NM_001294332.2, NM_001330758.2); short protein forms V4G.
Identifiers: ClinVar variation 818569 (VCV000818569.8), dbSNP rs1579369675, ClinGen allele CA359007268.
Genomic context (GRCh38, chr5:218,366, plus strand): 5'-GGCGCAGTCTGCGCAGGGACTGGCGGGACTGCGCGGCGGCAACAGCAGACATGTCGGGGG[T>G]CCGGGGCCTGTCGCGGCTGCTGAGCGCTCGGCGCCTGGCGCTGGCCAAGGCGGTGAGTCC-3'
Protein context (NP_004159.2, residues 1-14): MSG[Val4Gly]RGLSRLLSAR

ClinVar aggregate classification (germline): Uncertain significance. Review status: criteria provided, multiple submitters, no conflicts (2 of 4 stars). 2 submissions from 2 submitters: Uncertain significance (2). Last evaluated 2025-06-25.

Conditions:
Hereditary cancer-predisposing syndrome. Also called: Tumor predisposition; Hereditary neoplastic syndrome; Neoplastic Syndromes, Hereditary; Hereditary Cancer Syndrome. Identifiers: Orphanet 140162, MedGen C0027672, MeSH D009386, MONDO:0015356.
Pheochromocytoma/paraganglioma syndrome 5. Also called: Paragangliomas 5; SDHA-Related Hereditary Paraganglioma-Pheochromocytoma Syndrome. Identifiers: Orphanet 29072, MedGen C3279992, MONDO:0013602, OMIM 614165.
Mitochondrial complex II deficiency, nuclear type 1. Also called: SUCCINATE CoQ REDUCTASE DEFICIENCY. Identifiers: Orphanet 3208, MedGen C5700310, MONDO:0100294, OMIM 252011.

Submissions (2):

Ambry Genetics
Classification: Uncertain significance for Hereditary cancer-predisposing syndrome. Last evaluated: 2025-06-25. Review status: criteria provided, single submitter. Criteria: Ambry Variant Classification Scheme 2023. Collection method: clinical testing. Allele origin: germline.
Comment: The p.V4G variant (also known as c.11T>G), located in coding exon 1 of the SDHA gene, results from a T to G substitution at nucleotide position 11. The valine at codon 4 is replaced by glycine, an amino acid with dissimilar properties. This amino acid position is well conserved in available vertebrate species. In addition, this alteration is predicted to be tolerated by in silico analysis. Based on the available evidence, the clinical significance of this variant remains unclear.

Labcorp Genetics (formerly Invitae), Labcorp
Classification: Uncertain significance for Pheochromocytoma/paraganglioma syndrome 5; Mitochondrial complex II deficiency, nuclear type 1. Last evaluated: 2023-02-15. Review status: criteria provided, single submitter. Criteria: Invitae Variant Classification Sherloc (09022015). Collection method: clinical testing. Allele origin: germline.
Comment: This sequence change replaces valine, which is neutral and non-polar, with glycine, which is neutral and non-polar, at codon 4 of the SDHA protein (p.Val4Gly). This variant is not present in population databases (gnomAD no frequency). This variant has not been reported in the literature in individuals affected with SDHA-related conditions. ClinVar contains an entry for this variant (Variation ID: 818569). Advanced modeling of protein sequence and biophysical properties (such as structural, functional, and spatial information, amino acid conservation, physicochemical variation, residue mobility, and thermodynamic stability) performed at Invitae indicates that this missense variant is not expected to disrupt SDHA protein function. In summary, the available evidence is currently insufficient to determine the role of this variant in disease. Therefore, it has been classified as a Variant of Uncertain Significance.